The following is an entry in ClinVar:

ClinVar aggregate classification (germline): Conflicting classifications of pathogenicity. Review status: criteria provided, conflicting classifications (1 of 4 stars). 4 submissions from 4 submitters: Uncertain significance (1); Likely benign (3). Last evaluated 2025-12-30.

Allele frequency attached by ClinVar (database versions not stated): gnomAD exomes 0.00017 and 0.00039; ExAC 0.00040; 1000 Genomes Project 30x 0.00156; gnomAD 0.00160 and 0.00176; ESP Exome Variant Server 0.00166; 1000 Genomes Project 0.00180; TOPMed 0.00196.
gnomAD v4.1: 498 of 1,613,784 alleles (0.031%); highest among the groups gnomAD compares: African/African-American, 0.62%; 2 homozygotes.

Submissions (4):

Labcorp Genetics (formerly Invitae), Labcorp
Classification: Likely benign. Last evaluated: 2025-12-30. Review status: criteria provided, single submitter. Criteria: Invitae Variant Classification Sherloc (09022015). Collection method: clinical testing. Allele origin: germline.

GeneDx
Classification: Uncertain significance. Last evaluated: 2025-01-14. Review status: criteria provided, single submitter. Criteria: GeneDx Variant Classification Process June 2021. Collection method: clinical testing. Allele origin: germline. Affected: yes.
Comment: In silico analysis supports that this missense variant has a deleterious effect on protein structure/function; Has not been previously published as pathogenic or benign to our knowledge

Blueprint Genetics
Classification: Likely benign. Last evaluated: 2024-10-22. Review status: criteria provided, single submitter. Criteria: ACMG Guidelines, 2015. Collection method: clinical testing. Allele origin: germline.

Breakthrough Genomics
Classification: Likely benign. Review status: criteria provided, single submitter. Criteria: ACMG Guidelines, 2015. Collection method: not provided. Allele origin: germline. Inheritance: Autosomal recessive inheritance. Affected: yes.

NM_001004334.4(GPR179):c.164G>A (p.Gly55Glu)

Gene: GPR179 (G protein-coupled receptor 179; minus strand). Cytogenetic location: 17q12.
Variant type: single nucleotide variant.
Coding change: c.164G>A on transcript NM_001004334.4 (MANE Select); coding-DNA position 164, G replaced by A.
Protein change: p.Gly55Glu; replaces glycine 55 with glutamic acid.
Molecular consequence: missense variant.
Genome position (GRCh38, 1-based): chr17:38,343,626, C>T on the plus strand (G>A on the coding strand, the complement: GPR179 is on the minus strand). VCF-style: chr17-38343626-C-T. GRCh37 (hg19) VCF-style: chr17-36499509-C-T.
Other names: c.164G>A (NM_001004334.3); short protein forms G55E.
Identifiers: ClinVar variation 1099581 (VCV001099581.12), dbSNP rs188849668, ClinGen allele CA290111907.